The following is an entry in ClinVar:

ClinVar aggregate classification (germline): Uncertain significance (1 of 4 stars; one submission).

gnomAD v4.1: 14 of 1,493,814 alleles (0.00094%); highest among the groups gnomAD compares: Non-Finnish European, 0.0011%; no homozygotes.

Submission:

Labcorp Genetics (formerly Invitae), Labcorp
Classification: Uncertain significance. Last evaluated: 2024-06-12. Review status: criteria provided, single submitter. Criteria: Invitae Variant Classification Sherloc (09022015). Collection method: clinical testing. Allele origin: germline.
Comment: This sequence change replaces phenylalanine, which is neutral and non-polar, with serine, which is neutral and polar, at codon 749 of the GUCY2C protein (p.Phe749Ser). This variant is present in population databases (rs761987614, gnomAD 0.004%). This variant has not been reported in the literature in individuals affected with GUCY2C-related conditions. An algorithm developed to predict the effect of missense changes on protein structure and function (PolyPhen-2) suggests that this variant is likely to be tolerated. In summary, the available evidence is currently insufficient to determine the role of this variant in disease. Therefore, it has been classified as a Variant of Uncertain Significance.

NM_004963.4(GUCY2C):c.2246T>C (p.Phe749Ser)

Gene: GUCY2C (guanylate cyclase 2C; minus strand). Cytogenetic location: 12p12.3.
Variant type: single nucleotide variant.
Coding change: c.2246T>C on transcript NM_004963.4 (MANE Select); coding-DNA position 2246, T replaced by C.
Protein change: p.Phe749Ser; replaces phenylalanine 749 with serine.
Molecular consequence: missense variant.
Genome position (GRCh38, 1-based): chr12:14,628,649, A>G on the plus strand (T>C on the coding strand, the complement: GUCY2C is on the minus strand). VCF-style: chr12-14628649-A-G. GRCh37 (hg19) VCF-style: chr12-14781583-A-G.
Other names: short protein forms F749S.
Identifiers: ClinVar variation 3621001 (VCV003621001.2).
Genomic context (GRCh38, chr12:14,628,649, plus strand): 5'-CTATAATTTTTTTAAAACCCTGCAATTAGTGAATAAAAGTAAACATTTCAGCAATACCCA[A>G]ATATCTTGGCAAGTGTAGTCTCAATTTTTTTGAAATCTGGTCTCTTTTCTGGATCTTCCT-3'
Protein context (NP_004954.2, residues 739-759): KKIETTLAKI[Phe749Ser]GLFHDQKNES